The following is an entry in ClinVar:

NM_000642.3(AGL):c.3049dup (p.Thr1017fs)

Gene: AGL (amylo-alpha-1,6-glucosidase and 4-alpha-glucanotransferase; plus strand). Cytogenetic location: 1p21.2.
Variant type: Duplication.
Coding change: c.3049dup on transcript NM_000642.3 (MANE Select); coding-DNA position 3049, one base duplicated (A; older notation c.3049dupA).
Protein change: p.Thr1017fs; shifts the reading frame from threonine 1017.
Molecular consequence: frameshift variant.
Genome position (GRCh38, 1-based): chr1:99,891,705, A duplicated. VCF-style (leftmost placement, unchanged base first): chr1-99891704-C-CA. GRCh37 (hg19) VCF-style: chr1-100357260-C-CA.
Other names: c.3049dup, p.Thr1017Asnfs (NM_000028.3, NM_000643.3, NM_000644.3 and 1 more transcripts); c.3001dup, p.Thr1001Asnfs (NM_000646.3); c.3028dup, p.Thr1010Asnfs (NM_001425326.1); c.2848dup, p.Thr950Asnfs (NM_001425327.1); c.2845dup, p.Thr949Asnfs (NM_001425328.1); c.2710dup, p.Thr904Asnfs (NM_001425329.1); c.2671dup, p.Thr891Asnfs (NM_001425332.1); short protein forms T1001fs, T1017fs.
Identifiers: ClinVar variation 1455238 (VCV001455238.6), dbSNP rs1557772907, ClinGen allele CA524878282.

ClinVar aggregate classification (germline): Pathogenic (1 of 4 stars; one submission).

Conditions:
Glycogen storage disease type III (GSD3). Also called: FORBES DISEASE; Cori disease. Identifiers: Orphanet 366, MedGen C0017922, MONDO:0009291, OMIM 232400.

Allele frequency attached by ClinVar (database versions not stated): gnomAD exomes below 0.00001.

Submission:

Labcorp Genetics (formerly Invitae), Labcorp
Classification: Pathogenic for Glycogen storage disease type III. Last evaluated: 2021-08-09. Review status: criteria provided, single submitter. Criteria: Invitae Variant Classification Sherloc (09022015). Collection method: clinical testing. Allele origin: germline.
Comment: This sequence change creates a premature translational stop signal (p.Thr1017Asnfs*53) in the AGL gene. It is expected to result in an absent or disrupted protein product. Loss-of-function variants in AGL are known to be pathogenic (PMID: 19299494). This variant is not present in population databases (ExAC no frequency). This premature translational stop signal has been observed in individual(s) with glycogen storage disease (PMID: 20648714). For these reasons, this variant has been classified as Pathogenic.

Literature cited by the submitters: PubMed 19299494; PubMed 20648714.